The following is an entry in ClinVar:

ClinVar aggregate classification (germline): Conflicting classifications of pathogenicity. Review status: criteria provided, conflicting classifications (1 of 4 stars). 9 submissions from 5 submitters: Uncertain significance (5); Benign (2); Likely benign (2). Last evaluated 2024-11-06.

Conditions:
Early-onset myopathy with fatal cardiomyopathy (CMYO5). Also called: Salih Myopathy; CONGENITAL MYOPATHY 5 WITH CARDIOMYOPATHY. Identifiers: Orphanet 289377, MedGen C2673677, MONDO:0012714, OMIM 611705. Disease mechanism: loss of function.
Tibial muscular dystrophy (TMD). Also called: Tibial muscular dystrophy, tardive; Udd Distal Myopathy – Tibial Muscular Dystrophy; UDD MYOPATHY. Identifiers: Orphanet 609, MedGen C1838244, MONDO:0010870, OMIM 600334.
Dilated cardiomyopathy 1G (CMD1G). Identifiers: Orphanet 154, MedGen C1858763, MONDO:0011400, OMIM 604145.
Autosomal recessive limb-girdle muscular dystrophy type 2J (LGMDR10). Also called: Limb-girdle muscular dystrophy, type 2J; MUSCULAR DYSTROPHY, LIMB-GIRDLE, AUTOSOMAL RECESSIVE 10. Identifiers: Orphanet 140922, MedGen C1837342, MONDO:0012127, OMIM 608807.
Myopathy, myofibrillar, 9, with early respiratory failure (MFM9). Also called: Hereditary myopathy with early respiratory failure; MYOPATHY, PROXIMAL, WITH EARLY RESPIRATORY MUSCLE INVOLVEMENT; Myopathy, distal, with early respiratory failure, autosomal dominant; EDSTROM MYOPATHY. Identifiers: Orphanet 178464, Orphanet 34521, MedGen C1863599, MONDO:0011362, OMIM 603689.

Allele frequency attached by ClinVar (database versions not stated): gnomAD exomes 0.00004 and 0.00008; gnomAD 0.00005 and 0.00006; TOPMed 0.00005; ExAC 0.00007.
gnomAD v4.1: 71 of 1,613,324 alleles (0.0044%); highest among the groups gnomAD compares: East Asian, 0.12%; no homozygotes.

Submissions (9):

Blueprint Genetics
Classification: Likely benign. Last evaluated: 2024-11-06. Review status: criteria provided, single submitter. Criteria: ACMG Guidelines, 2015. Collection method: clinical testing. Allele origin: germline.

GeneDx
Classification: Likely benign. Last evaluated: 2021-05-03. Review status: criteria provided, single submitter. Criteria: GeneDx Variant Classification Process June 2021. Collection method: clinical testing. Allele origin: germline. Affected: yes.
Comment: This variant is associated with the following publications: (PMID: 31983221)

Revvity Omics, Revvity
Classification: Uncertain significance. Last evaluated: 2020-07-28. Review status: criteria provided, single submitter. Criteria: ACMG Guidelines, 2015. Collection method: clinical testing. Allele origin: germline.

Illumina Laboratory Services, Illumina
Classification: Uncertain significance for Early-onset myopathy with fatal cardiomyopathy. Last evaluated: 2018-01-12. Review status: criteria provided, single submitter. Criteria: ICSL Variant Classification Criteria 13 December 2019. Collection method: clinical testing. Allele origin: germline.

Illumina Laboratory Services, Illumina
Classification: Uncertain significance for Dilated cardiomyopathy 1G. Last evaluated: 2018-01-12. Review status: criteria provided, single submitter. Criteria: ICSL Variant Classification Criteria 13 December 2019. Collection method: clinical testing. Allele origin: germline.

Illumina Laboratory Services, Illumina
Classification: Benign for Myopathy, myofibrillar, 9, with early respiratory failure. Last evaluated: 2018-01-12. Review status: criteria provided, single submitter. Criteria: ICSL Variant Classification Criteria 13 December 2019. Collection method: clinical testing. Allele origin: germline.
Comment: This variant was observed in the ICSL laboratory as part of a predisposition screen in an ostensibly healthy population. It had not been previously curated by ICSL or reported in the Human Gene Mutation Database (HGMD: prior to June 1st, 2018), and was therefore a candidate for classification through an automated scoring system. Utilizing variant allele frequency, disease prevalence and penetrance estimates, and inheritance mode, an automated score was calculated to assess if this variant is too frequent to cause the disease. Based on the score and internal cut-off values, a variant classified as benign is not then subjected to further curation. The score for this variant resulted in a classification of benign for this disease.

Illumina Laboratory Services, Illumina
Classification: Benign for Tibial muscular dystrophy. Last evaluated: 2018-01-12. Review status: criteria provided, single submitter. Criteria: ICSL Variant Classification Criteria 13 December 2019. Collection method: clinical testing. Allele origin: germline.
Comment: the same text as in the submission from Illumina Laboratory Services, Illumina above.

Illumina Laboratory Services, Illumina
Classification: Uncertain significance for Autosomal recessive limb-girdle muscular dystrophy type 2J. Last evaluated: 2018-01-12. Review status: criteria provided, single submitter. Criteria: ICSL Variant Classification Criteria 13 December 2019. Collection method: clinical testing. Allele origin: germline.

Labcorp Genetics (formerly Invitae), Labcorp
Classification: Uncertain significance for Dilated cardiomyopathy 1G; Autosomal recessive limb-girdle muscular dystrophy type 2J. Last evaluated: 2016-01-18. Review status: criteria provided, single submitter. Criteria: Invitae Variant Classification Sherloc (09022015). Collection method: clinical testing. Allele origin: germline.

NM_001267550.2(TTN):c.107080C>G (p.Leu35694Val)

Genes: TTN (titin; minus strand), TTN-AS1 (TTN antisense RNA 1; plus strand). Cytogenetic location: 2q31.2.
Variant type: single nucleotide variant.
Coding change: c.107080C>G on transcript NM_001267550.2 (MANE Select); coding-DNA position 107080, C replaced by G.
Protein change: p.Leu35694Val; replaces leucine 35694 with valine.
Molecular consequence: missense variant.
Genome position (GRCh38, 1-based): chr2:178,528,671, G>C on the plus strand (C>G on the coding strand, the complement: TTN is on the minus strand). VCF-style: chr2-178528671-G-C. GRCh37 (hg19) VCF-style: chr2-179393398-G-C.
Other names: c.102157C>G, p.Leu34053Val (NM_001256850.1); c.79885C>G, p.Leu26629Val (NM_003319.4); c.99376C>G, p.Leu33126Val (NM_133378.4); c.80260C>G, p.Leu26754Val (NM_133432.3); c.80461C>G, p.Leu26821Val (NM_133437.4); short protein forms L35694V, L26821V, L33126V, L26754V, L26629V, L34053V.
Identifiers: ClinVar variation 238701 (VCV000238701.12), dbSNP rs769369764, ClinGen allele CA1985004.